The following is an entry in ClinVar:

NM_000141.5(FGFR2):c.65G>A (p.Arg22Gln)

Gene: FGFR2 (fibroblast growth factor receptor 2; minus strand). Cytogenetic location: 10q26.13.
Variant type: single nucleotide variant.
Coding change: c.65G>A on transcript NM_000141.5 (MANE Select); coding-DNA position 65, G replaced by A.
Protein change: p.Arg22Gln; replaces arginine 22 with glutamine.
Molecular consequence: missense variant. On other transcripts: non-coding transcript variant (1).
Genome position (GRCh38, 1-based): chr10:121,593,753, C>T on the plus strand (G>A on the coding strand, the complement: FGFR2 is on the minus strand). VCF-style: chr10-121593753-C-T. GRCh37 (hg19) VCF-style: chr10-123353267-C-T.
Other names: c.65G>A, p.Arg22Gln (NM_001144913.1, NM_001144914.1, NM_001144915.2 and 12 more transcripts); short protein forms R22Q.
Identifiers: ClinVar variation 4804873 (VCV004804873.1).

ClinVar aggregate classification (germline): Uncertain significance (1 of 4 stars; one submission).

Conditions:
FGFR2-related craniosynostosis. Identifiers: MedGen CN231480.

gnomAD v4.1: 18 of 1,614,132 alleles (0.0011%); highest among the groups gnomAD compares: Admixed American, 0.0017%; no homozygotes.

Submission:

Labcorp Genetics (formerly Invitae), Labcorp
Classification: Uncertain significance for FGFR2-related craniosynostosis. Last evaluated: 2025-05-27. Review status: criteria provided, single submitter. Criteria: Invitae Variant Classification Sherloc (09022015). Collection method: clinical testing. Allele origin: germline.
Comment: This sequence change replaces arginine, which is basic and polar, with glutamine, which is neutral and polar, at codon 22 of the FGFR2 protein (p.Arg22Gln). This variant is present in population databases (rs189010277, gnomAD 0.006%). This variant has not been reported in the literature in individuals affected with FGFR2-related conditions. Invitae Evidence Modeling of protein sequence and biophysical properties (such as structural, functional, and spatial information, amino acid conservation, physicochemical variation, residue mobility, and thermodynamic stability) has been performed for this missense variant. However, the output from this modeling did not meet the statistical confidence thresholds required to predict the impact of this variant on FGFR2 protein function. In summary, the available evidence is currently insufficient to determine the role of this variant in disease. Therefore, it has been classified as a Variant of Uncertain Significance.